The following is an entry in ClinVar:

ClinVar aggregate classification (germline): Uncertain significance (1 of 4 stars; one submission).

Submission:

Labcorp Genetics (formerly Invitae), Labcorp
Classification: Uncertain significance. Last evaluated: 2023-02-18. Review status: criteria provided, single submitter. Criteria: Invitae Variant Classification Sherloc (09022015). Collection method: clinical testing. Allele origin: germline.
Comment: In summary, the available evidence is currently insufficient to determine the role of this variant in disease. Therefore, it has been classified as a Variant of Uncertain Significance. Advanced modeling of protein sequence and biophysical properties (such as structural, functional, and spatial information, amino acid conservation, physicochemical variation, residue mobility, and thermodynamic stability) performed at Invitae indicates that this missense variant is not expected to disrupt CA4 protein function. This variant has not been reported in the literature in individuals affected with CA4-related conditions. This variant is present in population databases (no rsID available, gnomAD 0.003%). This sequence change replaces methionine, which is neutral and non-polar, with valine, which is neutral and non-polar, at codon 137 of the CA4 protein (p.Met137Val).

NM_000717.5(CA4):c.409A>G (p.Met137Val)

Gene: CA4 (carbonic anhydrase 4; plus strand). Cytogenetic location: 17q23.1.
Variant type: single nucleotide variant.
Coding change: c.409A>G on transcript NM_000717.5 (MANE Select); coding-DNA position 409, A replaced by G.
Protein change: p.Met137Val; replaces methionine 137 with valine.
Molecular consequence: missense variant. On other transcripts: non-coding transcript variant (1).
Genome position (GRCh38, 1-based): chr17:60,157,567, A>G. VCF-style: chr17-60157567-A-G. GRCh37 (hg19) VCF-style: chr17-58234928-A-G.
Other names: short protein forms M137V.
Identifiers: ClinVar variation 3009215 (VCV003009215.3), dbSNP rs1382945263, ClinGen allele CA400455532.